The following is an entry in ClinVar:

ClinVar aggregate classification (germline): Uncertain significance (1 of 4 stars; one submission).

Submission:

Ambry Genetics
Classification: Uncertain significance. Last evaluated: 2023-01-03. Review status: criteria provided, single submitter. Criteria: Ambry Variant Classification Scheme 2023. Collection method: clinical testing. Allele origin: germline.
Comment: The p.L101V variant (also known as c.301C>G), located in coding exon 1 of the TERF2IP gene, results from a C to G substitution at nucleotide position 301. The leucine at codon 101 is replaced by valine, an amino acid with highly similar properties. This amino acid position is conserved. In addition, this alteration is predicted to be tolerated by in silico analysis. Since supporting evidence is limited at this time, the clinical significance of this alteration remains unclear.

NM_018975.4(TERF2IP):c.301C>G (p.Leu101Val)

Gene: TERF2IP (TERF2 interacting protein; plus strand). Cytogenetic location: 16q23.1.
Variant type: single nucleotide variant.
Coding change: c.301C>G on transcript NM_018975.4 (MANE Select); coding-DNA position 301, C replaced by G.
Protein change: p.Leu101Val; replaces leucine 101 with valine.
Molecular consequence: missense variant. On other transcripts: non-coding transcript variant (1).
Genome position (GRCh38, 1-based): chr16:75,648,183, C>G. VCF-style: chr16-75648183-C-G. GRCh37 (hg19) VCF-style: chr16-75682081-C-G.
Other names: short protein forms L101V.
Identifiers: ClinVar variation 2448534 (VCV002448534.2), dbSNP rs1242493864, ClinGen allele CA396817629.